The following is an entry in ClinVar:

ClinVar aggregate classification (germline): Likely pathogenic (1 of 4 stars; one submission).

Conditions:
Hereditary spastic paraplegia 51. Also called: CEREBRAL PALSY, SPASTIC QUADRIPLEGIC, 4; Spastic paraplegia 51, autosomal recessive. Identifiers: Orphanet 280763, MedGen C3151056, MONDO:0013401, OMIM 613744.

Submission:

Broad Center for Mendelian Genomics, Broad Institute of MIT and Harvard
Classification: Likely pathogenic for Hereditary spastic paraplegia 51. Last evaluated: 2018-06-15. Review status: criteria provided, single submitter. Criteria: ACMG Guidelines, 2015. Collection method: research. Allele origin: germline. Inheritance: Autosomal recessive inheritance. Affected: yes. Clinical features observed: Seizures.
Comment: The homozygous c.1317-2A>C variant was identified by our study in three siblings with spastic paraplegia. This variant was absent from large population studies. The c.1317-2A>C variant occurs in the invariant region (+/- 1/2) of the splice consensus sequence and is predicted to cause altered splicing leading to an abnormal or absent protein. Loss of function of the AP4E1 gene is an established disease mechanism in autosomal recessive Neurodegeneration with Brain Iron Accumulation, and this is a loss of function variant. In summary, although additional studies are required to fully establish its pathogenicity, this variant is likely pathogenic.

NM_007347.5(AP4E1):c.1317-2A>C

Gene: AP4E1 (adaptor related protein complex 4 subunit epsilon 1; plus strand). Cytogenetic location: 15q21.2.
Variant type: single nucleotide variant.
Coding change: c.1317-2A>C on transcript NM_007347.5 (MANE Select); the canonical splice acceptor site of the intron before coding-DNA position 1317, A replaced by C.
Molecular consequence: splice acceptor variant.
Genome position (GRCh38, 1-based): chr15:50,949,824, A>C. VCF-style: chr15-50949824-A-C. GRCh37 (hg19) VCF-style: chr15-51242021-A-C.
Other names: c.1092-2A>C (NM_001252127.2).
Identifiers: ClinVar variation 635026 (VCV000635026.1), dbSNP rs1567230528, ClinGen allele CA392417650.